The following is an entry in ClinVar:

NM_001780.6(CD63):c.486G>A (p.Lys162=)

Gene: CD63 (CD63 molecule; minus strand). Cytogenetic location: 12q13.2.
Variant type: single nucleotide variant.
Coding change: c.486G>A on transcript NM_001780.6 (MANE Select); coding-DNA position 486, G replaced by A.
Protein change: p.Lys162=; no amino-acid change (lysine 162 retained).
Molecular consequence: synonymous variant.
Genome position (GRCh38, 1-based): chr12:55,726,202, C>T on the plus strand (G>A on the coding strand, the complement: CD63 is on the minus strand). VCF-style: chr12-55726202-C-T. GRCh37 (hg19) VCF-style: chr12-56119986-C-T.
Other names: c.486G>A, p.Lys162= (NM_001257389.2, NM_001257390.2, NM_001257391.2 and 1 more transcripts); c.417G>A, p.Lys139= (NM_001257392.1); c.240G>A, p.Lys80= (NM_001257400.2, NM_001257401.2).
Identifiers: ClinVar variation 100835 (VCV000100835.2), dbSNP rs483352715, ClinGen allele CA229094.

ClinVar aggregate classification (germline): Uncertain significance. Review status: no assertion criteria provided (0 of 4 stars). 2 submissions from 1 submitter: Uncertain significance (1). 1 of the submissions does not count toward it.

Allele frequency attached by ClinVar (database versions not stated): gnomAD exomes below 0.00001; TOPMed below 0.00001.
gnomAD v4.1: 1 of 1,614,014 alleles (0.000062%); highest among the groups gnomAD compares: Non-Finnish European, 0.000085%; no homozygotes.

Submissions (2):

Richard Lifton Laboratory, Yale University School of Medicine
Classification: Uncertain significance. Review status: no assertion criteria provided. Collection method: not provided. Allele origin: somatic.
Comment: CD63:p.K162K
ClinVar note: Converted during submission from unknown to Uncertain significance.

Richard Lifton Laboratory, Yale University School of Medicine
Classification: Uncertain significance. Review status: flagged submission. Collection method: not provided. Allele origin: somatic. Not counted in ClinVar's aggregate classification.
ClinVar note: Converted during submission from unknown to Uncertain significance.
ClinVar note: Reason: This record appears to be redundant with a more recent record from the same submitter.
ClinVar note: Notes: SCV000120055 appears to be redundant with SCV000155158.